The following is an entry in ClinVar:

ClinVar aggregate classification (germline): Benign. Review status: criteria provided, multiple submitters, no conflicts (2 of 4 stars). 2 submissions from 2 submitters: Benign (2). Last evaluated 2018-01-13.

Conditions:
Brachydactyly. Also called: Brachydactyly syndrome; Brachydactyly (disease). Identifiers: MedGen C0221357, MONDO:0021004, HP:0001156.

Allele frequency attached by ClinVar (database versions not stated): 1000 Genomes Project 30x 0.37914; 1000 Genomes Project 0.38359; TOPMed 0.42832; gnomAD 0.43235 and 0.43588.

Submissions (2):

Illumina Laboratory Services, Illumina
Classification: Benign for Brachydactyly. Last evaluated: 2018-01-13. Review status: criteria provided, single submitter. Criteria: ICSL Variant Classification Criteria 13 December 2019. Collection method: clinical testing. Allele origin: germline.
Comment: This variant was observed in the ICSL laboratory as part of a predisposition screen in an ostensibly healthy population. It had not been previously curated by ICSL or reported in the Human Gene Mutation Database (HGMD: prior to June 1st, 2018), and was therefore a candidate for classification through an automated scoring system. Utilizing variant allele frequency, disease prevalence and penetrance estimates, and inheritance mode, an automated score was calculated to assess if this variant is too frequent to cause the disease. Based on the score and internal cut-off values, a variant classified as benign is not then subjected to further curation. The score for this variant resulted in a classification of benign for this disease.

Breakthrough Genomics
Classification: Benign. Review status: criteria provided, single submitter. Criteria: ACMG Guidelines, 2015. Collection method: not provided. Allele origin: germline. Inheritance: Autosomal recessive inheritance. Affected: yes.

NM_001203.3(BMPR1B):c.*2350C>T

Gene: BMPR1B (bone morphogenetic protein receptor type 1B; plus strand). Cytogenetic location: 4q22.3.
Variant type: single nucleotide variant.
Coding change: c.*2350C>T on transcript NM_001203.3 (MANE Select); 2350 bases downstream of the stop codon, C replaced by T.
Molecular consequence: 3 prime UTR variant.
Genome position (GRCh38, 1-based): chr4:95,157,023, C>T. VCF-style: chr4-95157023-C-T. GRCh37 (hg19) VCF-style: chr4-96078174-C-T.
Other names: c.*2350C>T (NM_001256792.2, NM_001256793.2, NM_001256794.1).
Identifiers: ClinVar variation 350167 (VCV000350167.6), dbSNP rs1863654, ClinGen allele CA10622037.